The following is an entry in ClinVar:

NM_001267550.2(TTN):c.105336_105350dup (p.35109LEEKS[3])

Genes: TTN (titin; minus strand), TTN-AS1 (TTN antisense RNA 1; plus strand). Cytogenetic location: 2q31.2.
Variant type: Duplication.
Coding change: c.105336_105350dup on transcript NM_001267550.2 (MANE Select); coding-DNA positions 105336 to 105350, 15 bases duplicated (GTCACTGGAAGAAAA).
Protein change: p.35109LEEKS[3].
Molecular consequence: inframe insertion.
Genome position (GRCh38, 1-based): chr2:178,531,265-178,531,279, TTTTCTTCCAGTGAC duplicated on the plus strand (GTCACTGGAAGAAAA on the coding strand, the reverse complement: TTN is on the minus strand); duplicating any 15 consecutive bases within chr2:178,531,265-178,531,287 gives the same sequence; the c. name uses the placement nearest the transcript's 3' end. VCF-style (leftmost placement, unchanged base first): chr2-178531264-T-TTTTTCTTCCAGTGAC. GRCh37 (hg19) VCF-style: chr2-179395991-T-TTTTTCTTCCAGTGAC.
Other names: c.100413_100427dup, p.33468LEEKS[3] (NM_001256850.1); c.78141_78155dup, p.26044LEEKS[3] (NM_003319.4); c.97632_97646dup, p.32541LEEKS[3] (NM_133378.4); c.78516_78530dup, p.26169LEEKS[3] (NM_133432.3); c.78717_78731dup, p.26236LEEKS[3] (NM_133437.4).
Identifiers: ClinVar variation 1493026 (VCV001493026.6), dbSNP rs1558996383, ClinGen allele CA916719905.

ClinVar aggregate classification (germline): Uncertain significance (1 of 4 stars; one submission).

Conditions:
Dilated cardiomyopathy 1G (CMD1G). Identifiers: Orphanet 154, MedGen C1858763, MONDO:0011400, OMIM 604145.
Autosomal recessive limb-girdle muscular dystrophy type 2J (LGMDR10). Also called: Limb-girdle muscular dystrophy, type 2J; MUSCULAR DYSTROPHY, LIMB-GIRDLE, AUTOSOMAL RECESSIVE 10. Identifiers: Orphanet 140922, MedGen C1837342, MONDO:0012127, OMIM 608807.

Submission:

Labcorp Genetics (formerly Invitae), Labcorp
Classification: Uncertain significance for Dilated cardiomyopathy 1G; Autosomal recessive limb-girdle muscular dystrophy type 2J. Last evaluated: 2024-10-10. Review status: criteria provided, single submitter. Criteria: Invitae Variant Classification Sherloc (09022015). Collection method: clinical testing. Allele origin: germline.
Comment: This variant, c.105336_105350dup, results in the insertion of 5 amino acid(s) of the TTN protein (p.Leu35114_Ser35118dup), but otherwise preserves the integrity of the reading frame. This variant is not present in population databases (gnomAD no frequency). This variant has not been reported in the literature in individuals affected with TTN-related conditions. ClinVar contains an entry for this variant (Variation ID: 1493026). Experimental studies and prediction algorithms are not available or were not evaluated, and the functional significance of this variant is currently unknown. This variant is located in the M band of TTN (PMID: 25589632). Non-truncating variants in this region may be relevant for neuromuscular disorders, but have not been definitively shown to cause cardiomyopathy (PMID: 23975875). In summary, the available evidence is currently insufficient to determine the role of this variant in disease. Therefore, it has been classified as a Variant of Uncertain Significance.

Literature cited by the submitters: PubMed 25589632; PubMed 23975875.